The following is an entry in ClinVar:

NM_000093.5(COL5A1):c.4714del (p.Val1572fs)

Genes: COL5A1 (collagen type V alpha 1 chain; plus strand), LOC101448202 (uncharacterized LOC101448202; minus strand). Cytogenetic location: 9q34.3.
Variant type: Deletion.
Coding change: c.4714del on transcript NM_000093.5 (MANE Select); coding-DNA position 4714, one base deleted (G; older notation c.4714delG).
Protein change: p.Val1572fs; shifts the reading frame from valine 1572.
Molecular consequence: frameshift variant.
Genome position (GRCh38, 1-based): chr9:134,824,615, G deleted; the last of 2 consecutive G bases (chr9:134,824,614-134,824,615); deleting either gives the same sequence. VCF-style (leftmost placement, unchanged base first): chr9-134824613-AG-A. GRCh37 (hg19) VCF-style: chr9-137716459-AG-A.
Other names: c.4714del, p.Val1572fs (NM_001278074.1); short protein forms V1572fs.
Identifiers: ClinVar variation 1458777 (VCV001458777.8), dbSNP rs2132883536, ClinGen allele CA2573144153.

ClinVar aggregate classification (germline): Pathogenic (1 of 4 stars; one submission).

Conditions:
Ehlers-Danlos syndrome, classic type, 1 (EDSCL1). Also called: EHLERS-DANLOS SYNDROME, GRAVIS TYPE; EHLERS-DANLOS SYNDROME, SEVERE CLASSIC TYPE; Ehlers-Danlos syndrome, type 1; Ehlers-Danlos Syndrome, Classic Type, COL5A1-Related; EDS I. Identifiers: MedGen C0268335, MONDO:0019567, OMIM 130000.

Submission:

Labcorp Genetics (formerly Invitae), Labcorp
Classification: Pathogenic for Ehlers-Danlos syndrome, classic type, 1. Last evaluated: 2021-01-12. Review status: criteria provided, single submitter. Criteria: Invitae Variant Classification Sherloc (09022015). Collection method: clinical testing. Allele origin: germline.
Comment: This variant has been observed in individual(s) with Ehlers-Danlos syndrome, classical type (PMID: 23587214). For these reasons, this variant has been classified as Pathogenic. This variant is not present in population databases (ExAC no frequency). This sequence change creates a premature translational stop signal (p.Val1572Serfs*47) in the COL5A1 gene. It is expected to result in an absent or disrupted protein product. Loss-of-function variants in COL5A1 are known to be pathogenic (PMID: 23587214).

Literature cited by the submitters: PubMed 23587214.